The following is an entry in ClinVar:

ClinVar aggregate classification (germline): Uncertain significance (1 of 4 stars; one submission).

Conditions:
Inborn genetic diseases. Identifiers: MedGen C0950123, MeSH D030342.

gnomAD v4.1: 2 of 1,613,924 alleles (0.00012%); no homozygotes.

Submission:

Ambry Genetics
Classification: Uncertain significance for Inborn genetic diseases. Last evaluated: 2021-07-16. Review status: criteria provided, single submitter. Criteria: Ambry Variant Classification Scheme 2023. Collection method: clinical testing. Allele origin: germline.
Comment: The p.S156F variant (also known as c.467C>T), located in coding exon 3 of the HSPB1 gene, results from a C to T substitution at nucleotide position 467. The serine at codon 156 is replaced by phenylalanine, an amino acid with highly dissimilar properties. This amino acid position is conserved. In addition, the in silico prediction for this alteration is inconclusive. Since supporting evidence is limited at this time, the clinical significance of this alteration remains unclear.

NM_001540.5(HSPB1):c.467C>T (p.Ser156Phe)

Gene: HSPB1 (heat shock protein family B (small) member 1; plus strand). Cytogenetic location: 7q11.23.
Variant type: single nucleotide variant.
Coding change: c.467C>T on transcript NM_001540.5 (MANE Select); coding-DNA position 467, C replaced by T.
Protein change: p.Ser156Phe; replaces serine 156 with phenylalanine.
Molecular consequence: missense variant.
Genome position (GRCh38, 1-based): chr7:76,304,022, C>T. VCF-style: chr7-76304022-C-T. GRCh37 (hg19) VCF-style: chr7-75933339-C-T.
Other names: short protein forms S156F.
Identifiers: ClinVar variation 1742386 (VCV001742386.2), dbSNP rs374995963, ClinGen allele CA160901783.
Genomic context (GRCh38, chr7:76,304,022, plus strand): 5'-CCTTTCCTCTCTGCACGTCCAGGCTGCCCCCCGGTGTGGACCCCACCCAAGTTTCCTCCT[C>T]CCTGTCCCCTGAGGGCACACTGACCGTGGAGGCCCCCATGCCCAAGCTAGCCACGCAGTC-3'
Protein context (NP_001531.1, residues 146-166): PGVDPTQVSS[Ser156Phe]LSPEGTLTVE